The following is an entry in ClinVar:

ClinVar aggregate classification (germline): Uncertain significance (1 of 4 stars; one submission).

Conditions:
Neurofibromatosis, type 1 (NF1). Also called: VON RECKLINGHAUSEN DISEASE; Neurofibromatosis, type I; NEUROFIBROMATOSIS, TYPE I, SOMATIC; Peripheral type neurofibromatosis. Identifiers: Orphanet 636, MedGen C0027831, MONDO:0018975, OMIM 162200. Disease mechanism: loss of function.

Submission:

Labcorp Genetics (formerly Invitae), Labcorp
Classification: Uncertain significance for Neurofibromatosis, type 1. Last evaluated: 2026-01-16. Review status: criteria provided, single submitter. Criteria: Invitae Variant Classification Sherloc (09022015). Collection method: clinical testing. Allele origin: germline.
Comment: This sequence change replaces serine, which is neutral and polar, with proline, which is neutral and non-polar, at codon 2239 of the NF1 protein (p.Ser2239Pro). This variant is not present in population databases (gnomAD no frequency). This variant has not been reported in the literature in individuals affected with NF1-related conditions. Invitae Evidence Modeling of protein sequence and biophysical properties (such as structural, functional, and spatial information, amino acid conservation, physicochemical variation, residue mobility, and thermodynamic stability) indicates that this missense variant is not expected to disrupt NF1 protein function with a negative predictive value of 95%. In summary, the available evidence is currently insufficient to determine the role of this variant in disease. Therefore, it has been classified as a Variant of Uncertain Significance.

NM_001042492.3(NF1):c.6778T>C (p.Ser2260Pro)

Gene: NF1 (neurofibromin 1; plus strand). Cytogenetic location: 17q11.2.
Variant type: single nucleotide variant.
Coding change: c.6778T>C on transcript NM_001042492.3 (MANE Select); coding-DNA position 6778, T replaced by C.
Protein change: p.Ser2260Pro; replaces serine 2260 with proline.
Molecular consequence: missense variant.
Genome position (GRCh38, 1-based): chr17:31,338,098, T>C. VCF-style: chr17-31338098-T-C. GRCh37 (hg19) VCF-style: chr17-29665116-T-C.
Other names: c.6715T>C, p.Ser2239Pro (NM_000267.4); short protein forms S2239P, S2260P.
Identifiers: ClinVar variation 4800797 (VCV004800797.1).